The following is an entry in ClinVar:

NM_015910.7(WDPCP):c.1297G>T (p.Asp433Tyr)

Gene: WDPCP (WD repeat containing planar cell polarity effector; minus strand). Cytogenetic location: 2p15.
Variant type: single nucleotide variant.
Coding change: c.1297G>T on transcript NM_015910.7 (MANE Select); coding-DNA position 1297, G replaced by T.
Protein change: p.Asp433Tyr; replaces aspartic acid 433 with tyrosine.
Molecular consequence: missense variant. On other transcripts: non-coding transcript variant (3).
Genome position (GRCh38, 1-based): chr2:63,404,186, C>A on the plus strand (G>T on the coding strand, the complement: WDPCP is on the minus strand). VCF-style: chr2-63404186-C-A. GRCh37 (hg19) VCF-style: chr2-63631321-C-A.
Other names: c.820G>T, p.Asp274Tyr (NM_001042692.3); c.1225G>T, p.Asp409Tyr (NM_001354044.2); c.1297G>T, p.Asp433Tyr (NM_001354045.2); short protein forms D274Y, D433Y, D409Y.
Identifiers: ClinVar variation 2100879 (VCV002100879.4), dbSNP rs1266211459, ClinGen allele CA347064720.

ClinVar aggregate classification (germline): Uncertain significance (1 of 4 stars; one submission).

Conditions:
Bardet-Biedl syndrome (BBS). Identifiers: Orphanet 110, MedGen C0752166, MONDO:0015229.

Allele frequency attached by ClinVar (database versions not stated): gnomAD exomes below 0.00001.

Submission:

Labcorp Genetics (formerly Invitae), Labcorp
Classification: Uncertain significance for Bardet-Biedl syndrome. Last evaluated: 2022-03-29. Review status: criteria provided, single submitter. Criteria: Invitae Variant Classification Sherloc (09022015). Collection method: clinical testing. Allele origin: germline.
Comment: In summary, the available evidence is currently insufficient to determine the role of this variant in disease. Therefore, it has been classified as a Variant of Uncertain Significance. Algorithms developed to predict the effect of missense changes on protein structure and function are either unavailable or do not agree on the potential impact of this missense change (SIFT: "Tolerated"; PolyPhen-2: "Possibly Damaging"; Align-GVGD: "Class C0"). This variant has not been reported in the literature in individuals affected with WDPCP-related conditions. This variant is present in population databases (no rsID available, gnomAD 0.006%). This sequence change replaces aspartic acid, which is acidic and polar, with tyrosine, which is neutral and polar, at codon 433 of the WDPCP protein (p.Asp433Tyr).